The following is an entry in ClinVar:

ClinVar aggregate classification (germline): Uncertain significance. Review status: criteria provided, multiple submitters, no conflicts (2 of 4 stars). 3 submissions from 3 submitters: Uncertain significance (3). Last evaluated 2025-12-15.

Conditions:
Peutz-Jeghers syndrome (PJS). Also called: POLYPOSIS, HAMARTOMATOUS INTESTINAL; POLYPS-AND-SPOTS SYNDROME; Peutz-Jeghers polyposis; Periorificial lentiginosis syndrome. Identifiers: Orphanet 2869, MedGen C0031269, MeSH D010580, MONDO:0008280, OMIM 175200.
Hereditary cancer-predisposing syndrome. Also called: Neoplastic Syndromes, Hereditary; Tumor predisposition; Hereditary neoplastic syndrome; Hereditary Cancer Syndrome. Identifiers: Orphanet 140162, MedGen C0027672, MeSH D009386, MONDO:0015356.

Submissions (3):

Labcorp Genetics (formerly Invitae), Labcorp
Classification: Uncertain significance for Peutz-Jeghers syndrome. Last evaluated: 2025-12-15. Review status: criteria provided, single submitter. Criteria: Invitae Variant Classification Sherloc (09022015). Collection method: clinical testing. Allele origin: germline.
Comment: This sequence change replaces valine, which is neutral and non-polar, with methionine, which is neutral and non-polar, at codon 197 of the STK11 protein (p.Val197Met). This variant is not present in population databases (gnomAD no frequency). This variant has not been reported in the literature in individuals affected with STK11-related conditions. ClinVar contains an entry for this variant (Variation ID: 1750364). Invitae Evidence Modeling of protein sequence and biophysical properties (such as structural, functional, and spatial information, amino acid conservation, physicochemical variation, residue mobility, and thermodynamic stability) has been performed for this missense variant. However, the output from this modeling did not meet the statistical confidence thresholds required to predict the impact of this variant on STK11 protein function. In summary, the available evidence is currently insufficient to determine the role of this variant in disease. Therefore, it has been classified as a Variant of Uncertain Significance.

Color Diagnostics, LLC DBA Color Health
Classification: Uncertain significance for Hereditary cancer-predisposing syndrome. Last evaluated: 2024-01-08. Review status: criteria provided, single submitter. Criteria: ACMG Guidelines, 2015. Collection method: clinical testing. Allele origin: germline.
Comment: This missense variant replaces valine with methionine at codon 197 of the STK11 protein. Computational prediction is inconclusive regarding the impact of this variant on protein structure and function. To our knowledge, functional studies have not been reported for this variant. This variant has not been reported in individuals affected with STK11-related disorders in the literature. This variant has not been identified in the general population by the Genome Aggregation Database (gnomAD). The available evidence is insufficient to determine the role of this variant in disease conclusively. Therefore, this variant is classified as a Variant of Uncertain Significance.

Ambry Genetics
Classification: Uncertain significance for Hereditary cancer-predisposing syndrome. Last evaluated: 2021-12-29. Review status: criteria provided, single submitter. Criteria: Ambry Variant Classification Scheme 2023. Collection method: clinical testing. Allele origin: germline.
Comment: The p.V197M variant (also known as c.589G>A), located in coding exon 4 of the STK11 gene, results from a G to A substitution at nucleotide position 589. The valine at codon 197 is replaced by methionine, an amino acid with highly similar properties. This amino acid position is highly conserved in available vertebrate species. In addition, this alteration is predicted to be deleterious by in silico analysis. Since supporting evidence is limited at this time, the clinical significance of this alteration remains unclear.

NM_000455.5(STK11):c.589G>A (p.Val197Met)

Gene: STK11 (serine/threonine kinase 11; plus strand). Cytogenetic location: 19p13.3.
Variant type: single nucleotide variant.
Coding change: c.589G>A on transcript NM_000455.5 (MANE Select); coding-DNA position 589, G replaced by A.
Protein change: p.Val197Met; replaces valine 197 with methionine.
Molecular consequence: missense variant.
Genome position (GRCh38, 1-based): chr19:1,220,497, G>A. VCF-style: chr19-1220497-G-A. GRCh37 (hg19) VCF-style: chr19-1220496-G-A.
Other names: c.589G>A, p.Val197Met (NM_001407255.1); short protein forms V197M.
Identifiers: ClinVar variation 1750364 (VCV001750364.3), dbSNP rs2512942976, ClinGen allele CA089433.